The following is an entry in ClinVar:

ClinVar aggregate classification (germline): Uncertain significance (1 of 4 stars; one submission).

Submission:

Labcorp Genetics (formerly Invitae), Labcorp
Classification: Uncertain significance. Last evaluated: 2021-10-21. Review status: criteria provided, single submitter. Criteria: Invitae Variant Classification Sherloc (09022015). Collection method: clinical testing. Allele origin: germline.
Comment: This variant has not been reported in the literature in individuals affected with CCBE1-related conditions. This sequence change replaces glutamine with arginine at codon 255 of the CCBE1 protein (p.Gln255Arg). The glutamine residue is highly conserved and there is a small physicochemical difference between glutamine and arginine. This variant is not present in population databases (ExAC no frequency). Algorithms developed to predict the effect of missense changes on protein structure and function are either unavailable or do not agree on the potential impact of this missense change (SIFT: "Tolerated"; PolyPhen-2: "Probably Damaging"; Align-GVGD: "Class C0"). In summary, the available evidence is currently insufficient to determine the role of this variant in disease. Therefore, it has been classified as a Variant of Uncertain Significance.

NM_133459.4(CCBE1):c.764A>G (p.Gln255Arg)

Gene: CCBE1 (collagen and calcium binding EGF domains 1; minus strand). Cytogenetic location: 18q21.32.
Variant type: single nucleotide variant.
Coding change: c.764A>G on transcript NM_133459.4 (MANE Select); coding-DNA position 764, A replaced by G.
Protein change: p.Gln255Arg; replaces glutamine 255 with arginine.
Molecular consequence: missense variant.
Genome position (GRCh38, 1-based): chr18:59,447,994, T>C on the plus strand (A>G on the coding strand, the complement: CCBE1 is on the minus strand). VCF-style: chr18-59447994-T-C. GRCh37 (hg19) VCF-style: chr18-57115226-T-C.
Other names: short protein forms Q255R.
Identifiers: ClinVar variation 1370623 (VCV001370623.6), dbSNP rs2143649409, ClinGen allele CA402595962.